The following is an entry in ClinVar:

ClinVar aggregate classification (germline): Uncertain significance. Review status: criteria provided, multiple submitters, no conflicts (2 of 4 stars). 2 submissions from 2 submitters: Uncertain significance (2). Last evaluated 2025-04-07.

Conditions:
Dyskeratosis congenita, autosomal dominant 2. Identifiers: MedGen C3151443, MONDO:0013521, OMIM 613989.
Idiopathic Pulmonary Fibrosis. Also called: Idiopathic fibrosing alveolitis, chronic form; idiopathic fibrosing alveolitis. Identifiers: Orphanet 2032, MedGen C1800706, MeSH D054990, MONDO:0800504.
Dyskeratosis congenita. Identifiers: Orphanet 1775, MedGen C0265965, MONDO:0015780.

Allele frequency attached by ClinVar (database versions not stated): gnomAD exomes below 0.00001.
gnomAD v4.1: 1 of 1,586,794 alleles (0.000063%); highest among the groups gnomAD compares: South Asian, 0.0011%; no homozygotes.

Submissions (2):

Labcorp Genetics (formerly Invitae), Labcorp
Classification: Uncertain significance for Dyskeratosis congenita, autosomal dominant 2; Idiopathic Pulmonary Fibrosis. Last evaluated: 2025-04-07. Review status: criteria provided, single submitter. Criteria: Invitae Variant Classification Sherloc (09022015). Collection method: clinical testing. Allele origin: germline.
Comment: This sequence change replaces arginine, which is basic and polar, with tryptophan, which is neutral and slightly polar, at codon 261 of the TERT protein (p.Arg261Trp). This variant is not present in population databases (gnomAD no frequency). This variant has not been reported in the literature in individuals affected with TERT-related conditions. ClinVar contains an entry for this variant (Variation ID: 539215). Invitae Evidence Modeling of protein sequence and biophysical properties (such as structural, functional, and spatial information, amino acid conservation, physicochemical variation, residue mobility, and thermodynamic stability) indicates that this missense variant is not expected to disrupt TERT protein function with a negative predictive value of 95%. In summary, the available evidence is currently insufficient to determine the role of this variant in disease. Therefore, it has been classified as a Variant of Uncertain Significance.

Ambry Genetics
Classification: Uncertain significance for Dyskeratosis congenita. Last evaluated: 2022-02-07. Review status: criteria provided, single submitter. Criteria: Ambry Variant Classification Scheme 2023. Collection method: clinical testing. Allele origin: germline.
Comment: The p.R261W variant (also known as c.781A>T), located in coding exon 2 of the TERT gene, results from an A to T substitution at nucleotide position 781. The arginine at codon 261 is replaced by tryptophan, an amino acid with dissimilar properties. This amino acid position is conserved. In addition, the in silico prediction for this alteration is inconclusive. Since supporting evidence is limited at this time, the clinical significance of this alteration remains unclear.

NM_198253.3(TERT):c.781A>T (p.Arg261Trp)

Gene: TERT (telomerase reverse transcriptase; minus strand). Cytogenetic location: 5p15.33.
Variant type: single nucleotide variant.
Coding change: c.781A>T on transcript NM_198253.3 (MANE Select); coding-DNA position 781, A replaced by T.
Protein change: p.Arg261Trp; replaces arginine 261 with tryptophan.
Molecular consequence: missense variant. On other transcripts: non-coding transcript variant (2).
Genome position (GRCh38, 1-based): chr5:1,294,105, T>A on the plus strand (A>T on the coding strand, the complement: TERT is on the minus strand). VCF-style: chr5-1294105-T-A. GRCh37 (hg19) VCF-style: chr5-1294220-T-A.
Other names: c.781A>T, p.Arg261Trp (NM_001193376.3); short protein forms R261W.
Identifiers: ClinVar variation 539215 (VCV000539215.13), dbSNP rs1554042983, ClinGen allele CA359056835.